The following is an entry in ClinVar:

ClinVar aggregate classification (germline): Uncertain significance (1 of 4 stars; one submission).

Conditions:
Sotos syndrome (SOTOS). Also called: CEREBRAL GIGANTISM; Distinctive facial appearance, overgrowth in childhood, and learning disabilities or delayed development; SOTOS SYNDROME 1; Sotos' syndrome; CHROMOSOME 5q35 DELETION SYNDROME. Identifiers: Orphanet 821, MedGen C0175695, MONDO:0019349, OMIM 117550.

Submission:

Juno Genomics, Hangzhou Juno Genomics, Inc
Classification: Uncertain significance for Sotos syndrome. Review status: criteria provided, single submitter. Criteria: ACMG Guidelines, 2015. Collection method: clinical testing. Allele origin: germline.
Comment: Absent from controls (or at extremely low frequency if recessive) in Genome Aggregation Database.;Missense variant in a gene that has a low rate of benign missense variation.;Multiple lines of computational evidence support a deleterious effect on the gene or gene product.

NM_022455.5(NSD1):c.4867T>G (p.Tyr1623Asp)

Gene: NSD1 (nuclear receptor binding SET domain protein 1; plus strand). Cytogenetic location: 5q35.3.
Variant type: single nucleotide variant.
Coding change: c.4867T>G on transcript NM_022455.5 (MANE Select); coding-DNA position 4867, T replaced by G.
Protein change: p.Tyr1623Asp; replaces tyrosine 1623 with aspartic acid.
Molecular consequence: missense variant.
Genome position (GRCh38, 1-based): chr5:177,257,052, T>G. VCF-style: chr5-177257052-T-G. GRCh37 (hg19) VCF-style: chr5-176684053-T-G.
Other names: c.4105T>G, p.Tyr1369Asp (NM_001409307.1, NM_001409306.1); c.3994T>G, p.Tyr1332Asp (NM_001409308.1, NM_001409309.1, NM_172349.5 and 1 more transcripts); c.4867T>G, p.Tyr1623Asp (NM_001409301.1, NM_001409302.1, NM_001409303.1); c.4447T>G, p.Tyr1483Asp (NM_001409304.1); c.4114T>G, p.Tyr1372Asp (NM_001409305.1); short protein forms Y1369D, Y1483D, Y1332D, Y1372D, Y1623D.
Identifiers: ClinVar variation 5006871 (VCV005006871.2).